The following is an entry in ClinVar:

NC_000019.9:g.(?_13342504)_(13342694_?)del

Gene: CACNA1A (calcium voltage-gated channel subunit alpha1 A; minus strand). Cytogenetic location: 19p13.2.
Variant type: Deletion.
Identifiers: ClinVar variation 2423751 (VCV002423751.6).

ClinVar aggregate classification (germline): Pathogenic (1 of 4 stars; one submission).

Conditions:
Episodic ataxia type 2 (EA2). Also called: ATAXIA, EPISODIC, WITH NYSTAGMUS; ATAXIA, FAMILIAL PAROXYSMAL; CEREBELLAR ATAXIA, PAROXYSMAL, ACETAZOLAMIDE-RESPONSIVE; CEREBELLOPATHY, HEREDITARY PAROXYSMAL; EPISODIC ATAXIA, NYSTAGMUS-ASSOCIATED; ACETAZOLAMIDE-RESPONSIVE HEREDITARY PAROXYSMAL CEREBELLAR ATAXIA. Identifiers: Orphanet 97, MedGen C1720416, MONDO:0007163, OMIM 108500.
Developmental and epileptic encephalopathy, 42 (DEE42A). Also called: DEVELOPMENTAL AND EPILEPTIC ENCEPHALOPATHY 42A; EPILEPTIC ENCEPHALOPATHY, EARLY INFANTILE, 42A; Epileptic encephalopathy, early infantile, 42. Identifiers: MedGen C4310716, MONDO:0014917, OMIM 617106.

Submission:

Labcorp Genetics (formerly Invitae), Labcorp
Classification: Pathogenic for Developmental and epileptic encephalopathy, 42; Episodic ataxia type 2. Last evaluated: 2022-03-04. Review status: criteria provided, single submitter. Criteria: Invitae Variant Classification Sherloc (09022015). Collection method: clinical testing. Allele origin: germline.
Comment: For these reasons, this variant has been classified as Pathogenic. This variant has not been reported in the literature in individuals affected with CACNA1A-related conditions. This variant is a gross deletion of the genomic region encompassing exon(s) 35 of the CACNA1A gene. This deletion is out-of-frame, and is expected to create a premature termination codon and result in an absent or disrupted protein product. Loss-of-function variants in CACNA1A are known to be pathogenic (PMID: 10371528, 19486177, 25735478, 27250579).

Literature cited by the submitters: PubMed 10371528; PubMed 19486177; PubMed 25735478; PubMed 27250579.